The following is an entry in ClinVar:

NM_031935.3(HMCN1):c.7660A>G (p.Ser2554Gly)

Gene: HMCN1 (hemicentin 1; plus strand). Cytogenetic location: 1q31.1.
Variant type: single nucleotide variant.
Coding change: c.7660A>G on transcript NM_031935.3 (MANE Select); coding-DNA position 7660, A replaced by G.
Protein change: p.Ser2554Gly; replaces serine 2554 with glycine.
Molecular consequence: missense variant.
Genome position (GRCh38, 1-based): chr1:186,065,384, A>G. VCF-style: chr1-186065384-A-G. GRCh37 (hg19) VCF-style: chr1-186034516-A-G.
Other names: short protein forms S2554G.
Identifiers: ClinVar variation 4730860 (VCV004730860.1).

ClinVar aggregate classification (germline): Uncertain significance (1 of 4 stars; one submission).

Submission:

Labcorp Genetics (formerly Invitae), Labcorp
Classification: Uncertain significance. Last evaluated: 2025-11-10. Review status: criteria provided, single submitter. Criteria: Invitae Variant Classification Sherloc (09022015). Collection method: clinical testing. Allele origin: germline.
Comment: This sequence change replaces serine, which is neutral and polar, with glycine, which is neutral and non-polar, at codon 2554 of the HMCN1 protein (p.Ser2554Gly). This variant is not present in population databases (gnomAD no frequency). This variant has not been reported in the literature in individuals affected with HMCN1-related conditions. An algorithm developed to predict the effect of missense changes on protein structure and function (PolyPhen-2) suggests that this variant is likely to be tolerated. In summary, the available evidence is currently insufficient to determine the role of this variant in disease. Therefore, it has been classified as a Variant of Uncertain Significance.